The following is an entry in ClinVar:

ClinVar aggregate classification (germline): Uncertain significance. Review status: criteria provided, multiple submitters, no conflicts (2 of 4 stars). 2 submissions from 2 submitters: Uncertain significance (2). Last evaluated 2025-01-17.

Submissions (2):

Ambry Genetics
Classification: Uncertain significance. Last evaluated: 2025-01-17. Review status: criteria provided, single submitter. Criteria: Ambry Variant Classification Scheme 2023. Collection method: clinical testing. Allele origin: germline.
Comment: The p.L701F variant (also known as c.2101C>T), located in coding exon 13 of the GEN1 gene, results from a C to T substitution at nucleotide position 2101. The leucine at codon 701 is replaced by phenylalanine, an amino acid with highly similar properties. This amino acid position is conserved. In addition, this alteration is predicted to be tolerated by in silico analysis. Based on the available evidence, the clinical significance of this variant remains unclear.

Labcorp Genetics (formerly Invitae), Labcorp
Classification: Uncertain significance. Last evaluated: 2023-08-07. Review status: criteria provided, single submitter. Criteria: Invitae Variant Classification Sherloc (09022015). Collection method: clinical testing. Allele origin: germline.
Comment: This sequence change replaces leucine, which is neutral and non-polar, with phenylalanine, which is neutral and non-polar, at codon 701 of the GEN1 protein (p.Leu701Phe). This variant is not present in population databases (gnomAD no frequency). This variant has not been reported in the literature in individuals affected with GEN1-related conditions. Algorithms developed to predict the effect of missense changes on protein structure and function output the following: SIFT: "Not Available"; PolyPhen-2: "Benign"; Align-GVGD: "Not Available". The phenylalanine amino acid residue is found in multiple mammalian species, which suggests that this missense change does not adversely affect protein function. In summary, the available evidence is currently insufficient to determine the role of this variant in disease. Therefore, it has been classified as a Variant of Uncertain Significance.

NM_001130009.3(GEN1):c.2101C>T (p.Leu701Phe)

Gene: GEN1 (GEN1 structure-specific endonuclease; plus strand). Cytogenetic location: 2p24.2.
Variant type: single nucleotide variant.
Coding change: c.2101C>T on transcript NM_001130009.3 (MANE Select); coding-DNA position 2101, C replaced by T.
Protein change: p.Leu701Phe; replaces leucine 701 with phenylalanine.
Molecular consequence: missense variant.
Genome position (GRCh38, 1-based): chr2:17,781,313, C>T. VCF-style: chr2-17781313-C-T. GRCh37 (hg19) VCF-style: chr2-17962580-C-T.
Other names: c.2101C>T, p.Leu701Phe (NM_182625.5); c.2101C>T (NM_001130009.1); short protein forms L701F.
Identifiers: ClinVar variation 2750761 (VCV002750761.4), dbSNP rs1343397583, ClinGen allele CA345927309.